The following is an entry in ClinVar:

ClinVar aggregate classification (germline): Likely benign. Review status: criteria provided, multiple submitters, no conflicts (2 of 4 stars). 6 submissions from 6 submitters: Likely benign (3). 3 of the submissions do not count toward it. Last evaluated 2026-08-01.

Conditions:
Hereditary sensory and autonomic neuropathy type 6. Also called: HSAN VI; Neuropathy, hereditary sensory and autonomic, type VI. Identifiers: Orphanet 314381, MedGen C3539003, MONDO:0013839, OMIM 614653.
Epidermolysis bullosa simplex 3, localized or generalized intermediate, with BP230 deficiency (EBS3). Also called: Epidermolysis bullosa simplex, autosomal recessive 2; Epidermolysis bullosa simplex due to BP230 deficiency. Identifiers: Orphanet 412181, MedGen C3809470, MONDO:0014180, OMIM 615425.

Allele frequency attached by ClinVar (database versions not stated): 1000 Genomes Project 0.00020; 1000 Genomes Project 30x 0.00031; TOPMed 0.00075; ESP Exome Variant Server 0.00085.
gnomAD v4.1: 1,528 of 1,614,032 alleles (0.095%); highest among the groups gnomAD compares: South Asian, 0.14%; 2 homozygotes.

Submissions (6):

CeGaT Center for Human Genetics Tuebingen
Classification: Likely benign. Last evaluated: 2026-08-01. Review status: criteria provided, single submitter. Criteria: CeGaT Center For Human Genetics Tuebingen Variant Classification Criteria Version 2. Collection method: clinical testing. Allele origin: germline. Affected: yes. Observed: 5 variant alleles.
Comment: DST: BP4, BP7

Labcorp Genetics (formerly Invitae), Labcorp
Classification: Likely benign for Epidermolysis bullosa simplex 3, localized or generalized intermediate, with BP230 deficiency; Hereditary sensory and autonomic neuropathy type 6. Last evaluated: 2026-01-27. Review status: criteria provided, single submitter. Criteria: Invitae Variant Classification Sherloc (09022015). Collection method: clinical testing. Allele origin: germline.

Blueprint Genetics
Classification: Likely benign. Last evaluated: 2024-11-20. Review status: criteria provided, single submitter. Criteria: ACMG Guidelines, 2015. Collection method: clinical testing. Allele origin: germline.

Clinical Genetics DNA and cytogenetics Diagnostics Lab, Erasmus MC, Erasmus Medical Center
Classification: Likely benign. Review status: no assertion criteria provided. Collection method: clinical testing. Allele origin: germline. Affected: yes. Study: VKGL Data-share Consensus. Not counted in ClinVar's aggregate classification.

Clinical Genetics, Academic Medical Center
Classification: Likely benign. Review status: no assertion criteria provided. Collection method: clinical testing. Allele origin: germline. Affected: yes. Study: VKGL Data-share Consensus. Not counted in ClinVar's aggregate classification.

Genome Diagnostics Laboratory, University Medical Center Utrecht
Classification: Likely benign. Review status: no assertion criteria provided. Collection method: clinical testing. Allele origin: germline. Affected: yes. Study: VKGL Data-share Consensus. Not counted in ClinVar's aggregate classification.

NM_001723.7(DST):c.5892C>T (p.Thr1964=)

Gene: DST (dystonin; minus strand). Cytogenetic location: 6p12.1.
Variant type: single nucleotide variant.
Coding change: c.5892C>T on transcript NM_001723.7 (MANE Plus Clinical); coding-DNA position 5892, C replaced by T.
Protein change: p.Thr1964=; no amino-acid change (threonine 1964 retained).
Molecular consequence: synonymous variant. On other transcripts: intron variant (10).
Genome position (GRCh38, 1-based): chr6:56,618,142, G>A on the plus strand (C>T on the coding strand, the complement: DST is on the minus strand). VCF-style: chr6-56618142-G-A. GRCh37 (hg19) VCF-style: chr6-56482940-G-A.
Other names: c.4831-3658C>T (NM_001144769.5); c.4930-3658C>T (NM_001374722.1, NM_001374736.1); c.4957-3658C>T (NM_001374734.1); c.4417-3658C>T (NM_001144770.2); c.4297-3658C>T (NM_001374730.1, NM_001386100.1, NM_183380.4 and 1 more transcripts); c.3319-3658C>T (NM_015548.5).
Identifiers: ClinVar variation 357562 (VCV000357562.43), dbSNP rs146263203, ClinGen allele CA3870286.
Genomic context (GRCh38, chr6:56,618,142, plus strand): 5'-CTTCTCAATTTCAGACAGTCTTGTAATGGGGTTTGTCTCATCAAAAGTTATCTGTAACTC[G>A]GTGCTTGTCTGAGAAAAGTACTCAGAGTAACACTGCTGGCTTTTCTCTTTCTCGAGTGGA-3'
Protein context (NP_001714.1, residues 1954-1974): CYSEYFSQTS[Thr1964=]ELQITFDETN